The following is an entry in ClinVar:

ClinVar aggregate classification (germline): Likely benign (1 of 4 stars; one submission).

Conditions:
Breast-ovarian cancer, familial, susceptibility to, 3. Also called: RAD51C-Related Breast/Ovarian Cancer. Identifiers: Orphanet 145, MedGen C3150659, MONDO:0013253, OMIM 613399.

Submission:

Myriad Genetics, Inc.
Classification: Likely benign for Breast-ovarian cancer, familial, susceptibility to, 3. Last evaluated: 2025-02-14. Review status: criteria provided, single submitter. Criteria: Myriad Autosomal Dominant, Autosomal Recessive and X-Linked Classification Criteria (2023). Collection method: clinical testing. Allele origin: unknown.
Comment: This variant is considered likely benign. This variant is intronic and is not expected to impact mRNA splicing.

NM_058216.3(RAD51C):c.146-6T>C

Gene: RAD51C (RAD51 paralog C; plus strand). Cytogenetic location: 17q22.
Variant type: single nucleotide variant.
Coding change: c.146-6T>C on transcript NM_058216.3 (MANE Select); 6 bases into the intron before coding-DNA position 146, T replaced by C.
Molecular consequence: intron variant.
Genome position (GRCh38, 1-based): chr17:58,694,925, T>C. VCF-style: chr17-58694925-T-C. GRCh37 (hg19) VCF-style: chr17-56772286-T-C.
Other names: c.146-6T>C (NM_002876.4).
Identifiers: ClinVar variation 3903809 (VCV003903809.1).